The following is an entry in ClinVar:

NM_018557.3(LRP1B):c.10892A>C (p.Glu3631Ala)

Gene: LRP1B (LDL receptor related protein 1B; minus strand). Cytogenetic location: 2q22.1.
Variant type: single nucleotide variant.
Coding change: c.10892A>C on transcript NM_018557.3 (MANE Select); coding-DNA position 10892, A replaced by C.
Protein change: p.Glu3631Ala; replaces glutamic acid 3631 with alanine.
Molecular consequence: missense variant.
Genome position (GRCh38, 1-based): chr2:140,370,826, T>G on the plus strand (A>C on the coding strand, the complement: LRP1B is on the minus strand). VCF-style: chr2-140370826-T-G. GRCh37 (hg19) VCF-style: chr2-141128395-T-G.
Other names: short protein forms E3631A.
Identifiers: ClinVar variation 4547498 (VCV004547498.2).

ClinVar aggregate classification (germline): Uncertain significance (1 of 4 stars; one submission).

gnomAD v4.1: 32 of 1,612,380 alleles (0.002%); highest among the groups gnomAD compares: Non-Finnish European, 0.00042%; no homozygotes.

Submission:

Ambry Genetics
Classification: Uncertain significance. Last evaluated: 2026-07-01. Review status: criteria provided, single submitter. Criteria: Ambry Variant Classification Scheme 2023. Collection method: clinical testing. Allele origin: germline.
Comment: The p.E3631A variant (also known as c.10892A>C), located in coding exon 71 of the LRP1B gene, results from an A to C substitution at nucleotide position 10892. The glutamic acid at codon 3631 is replaced by alanine, an amino acid with dissimilar properties. This amino acid position is conserved. In addition, this alteration is predicted to be tolerated by in silico analysis. Based on the available evidence, the clinical significance of this variant remains unclear.